The following is an entry in ClinVar:

ClinVar aggregate classification (germline): Uncertain significance. Review status: criteria provided, multiple submitters, no conflicts (2 of 4 stars). 2 submissions from 2 submitters: Uncertain significance (2). Last evaluated 2022-11-08.

Allele frequency attached by ClinVar (database versions not stated): TOPMed below 0.00001; gnomAD 0.00001; gnomAD exomes 0.00001; ExAC 0.00002; ESP Exome Variant Server 0.00008.
gnomAD v4.1: 16 of 1,612,332 alleles (0.00099%); highest among the groups gnomAD compares: South Asian, 0.0088%; no homozygotes.

Submissions (2):

Labcorp Genetics (formerly Invitae), Labcorp
Classification: Uncertain significance. Last evaluated: 2022-11-08. Review status: criteria provided, single submitter. Criteria: Invitae Variant Classification Sherloc (09022015). Collection method: clinical testing. Allele origin: germline.
Comment: This sequence change affects codon 285 of the PRPF31 mRNA. It is a 'silent' change, meaning that it does not change the encoded amino acid sequence of the PRPF31 protein. This variant also falls at the last nucleotide of exon 8, which is part of the consensus splice site for this exon. This variant is present in population databases (rs149447109, gnomAD 0.01%). In summary, the available evidence is currently insufficient to determine the role of this variant in disease. Therefore, it has been classified as a Variant of Uncertain Significance. Variants that disrupt the consensus splice site are a relatively common cause of aberrant splicing (PMID: 17576681, 9536098). Algorithms developed to predict the effect of sequence changes on RNA splicing suggest that this variant may create or strengthen a splice site. This variant has not been reported in the literature in individuals affected with PRPF31-related conditions.

Blueprint Genetics
Classification: Uncertain significance. Last evaluated: 2021-03-03. Review status: criteria provided, single submitter. Criteria: ACMG Guidelines, 2015. Collection method: clinical testing. Allele origin: germline.

Literature cited by the submitters: PubMed 17576681 (cited by Labcorp Genetics (formerly Invitae), Labcorp); PubMed 9536098 (cited by Labcorp Genetics (formerly Invitae), Labcorp).

NM_015629.4(PRPF31):c.855G>A (p.Pro285=)

Gene: PRPF31 (pre-mRNA processing factor 31; plus strand). Cytogenetic location: 19q13.42.
Variant type: single nucleotide variant.
Coding change: c.855G>A on transcript NM_015629.4 (MANE Select); coding-DNA position 855, G replaced by A.
Protein change: p.Pro285=; no amino-acid change (proline 285 retained).
Molecular consequence: synonymous variant.
Genome position (GRCh38, 1-based): chr19:54,124,656, G>A. VCF-style: chr19-54124656-G-A. GRCh37 (hg19) VCF-style: chr19-54628035-G-A.
Identifiers: ClinVar variation 1959265 (VCV001959265.6), dbSNP rs149447109, ClinGen allele CA309326194.